The following is an entry in ClinVar:

NM_000321.3(RB1):c.861+5T>G

Gene: RB1 (RB transcriptional corepressor 1; plus strand). Cytogenetic location: 13q14.2.
Variant type: single nucleotide variant.
Coding change: c.861+5T>G on transcript NM_000321.3 (MANE Select); 5 bases into the intron after coding-DNA position 861, T replaced by G.
Molecular consequence: intron variant.
Genome position (GRCh38, 1-based): chr13:48,362,962, T>G. VCF-style: chr13-48362962-T-G. GRCh37 (hg19) VCF-style: chr13-48937098-T-G.
Other names: c.861+5T>G (NM_000321.2).
Identifiers: ClinVar variation 2149710 (VCV002149710.5), dbSNP rs1370542108, ClinGen allele CA609575007.

ClinVar aggregate classification (germline): Conflicting classifications of pathogenicity. Review status: criteria provided, conflicting classifications (1 of 4 stars). 2 submissions from 2 submitters: Uncertain significance (1); Likely benign (1). Last evaluated 2026-06-09.

Conditions:
Hereditary cancer-predisposing syndrome. Also called: Tumor predisposition; Hereditary Cancer Syndrome; Hereditary neoplastic syndrome; Neoplastic Syndromes, Hereditary. Identifiers: Orphanet 140162, MedGen C0027672, MeSH D009386, MONDO:0015356.
Retinoblastoma (RB1). Also called: RETINOBLASTOMA, SOMATIC. Identifiers: Orphanet 790, MedGen C0035335, MeSH D012175, MONDO:0008380, OMIM 180200, HP:0009919. Disease mechanism: loss of function. Inheritance: Both sporadic and heritable forms are tested..

Submissions (2):

Ambry Genetics
Classification: Uncertain significance for Hereditary cancer-predisposing syndrome. Last evaluated: 2026-06-09. Review status: criteria provided, single submitter. Criteria: Ambry Variant Classification Scheme 2023. Collection method: clinical testing. Allele origin: germline.
Comment: The c.861+5T>G intronic variant results from a T to G substitution 5 nucleotides after coding exon 8 in the RB1 gene. This nucleotide position is highly conserved in available vertebrate species. In silico splice site analysis predicts that this alteration will not have any significant effect on splicing. Based on the available evidence, the clinical significance of this variant remains unclear.

Labcorp Genetics (formerly Invitae), Labcorp
Classification: Likely benign for Retinoblastoma. Last evaluated: 2023-11-24. Review status: criteria provided, single submitter. Criteria: Invitae Variant Classification Sherloc (09022015). Collection method: clinical testing. Allele origin: germline.